The following is an entry in ClinVar:

NM_001370.2(DNAH6):c.7678G>T (p.Val2560Leu)

Gene: DNAH6 (dynein axonemal heavy chain 6; plus strand). Cytogenetic location: 2p11.2.
Variant type: single nucleotide variant.
Coding change: c.7678G>T on transcript NM_001370.2 (MANE Select); coding-DNA position 7678, G replaced by T.
Protein change: p.Val2560Leu; replaces valine 2560 with leucine.
Molecular consequence: missense variant.
Genome position (GRCh38, 1-based): chr2:84,699,594, G>T. VCF-style: chr2-84699594-G-T. GRCh37 (hg19) VCF-style: chr2-84926718-G-T.
Other names: short protein forms V2560L.
Identifiers: ClinVar variation 3041718 (VCV003041718.2), dbSNP rs193184813, ClinGen allele CA1737450.

ClinVar aggregate classification (germline): Likely benign (0 of 4 stars; one submission).

Conditions:
DNAH6-related disorder. Also called: DNAH6-related condition.

Allele frequency attached by ClinVar (database versions not stated): 1000 Genomes Project 0.00180; 1000 Genomes Project 30x 0.00203; ExAC 0.00287.
gnomAD v4.1: 892 of 1,544,534 alleles (0.058%); highest among the groups gnomAD compares: South Asian, 0.63%; 8 homozygotes.

Submission:

PreventionGenetics, part of Exact Sciences
Classification: Likely benign for DNAH6-related condition. Last evaluated: 2019-10-28. Review status: no assertion criteria provided. Collection method: clinical testing. Allele origin: germline.
Comment: This variant is classified as likely benign based on ACMG/AMP sequence variant interpretation guidelines (Richards et al. 2015 PMID: 25741868, with internal and published modifications).